The following is an entry in ClinVar:

ClinVar aggregate classification (germline): Uncertain significance. Review status: criteria provided, multiple submitters, no conflicts (2 of 4 stars). 2 submissions from 2 submitters: Uncertain significance (2). Last evaluated 2024-02-09.

Conditions:
B-cell immunodeficiency, distal limb anomalies, and urogenital malformations. Also called: HOFFMAN SYNDROME; BILU SYNDROME. Identifiers: Orphanet 567502, MedGen C1836437, MONDO:0012243, OMIM 609296.

Submissions (2):

Laboratorio de Genetica e Diagnostico Molecular, Hospital Israelita Albert Einstein
Classification: Uncertain significance for B-cell immunodeficiency, distal limb anomalies, and urogenital malformations. Last evaluated: 2024-02-09. Review status: criteria provided, single submitter. Criteria: ACMG Guidelines, 2015. Collection method: clinical testing. Allele origin: germline. Affected: yes.
Comment: ACMG classification criteria: PM2 supporting, PP2 supporting

Labcorp Genetics (formerly Invitae), Labcorp
Classification: Uncertain significance. Last evaluated: 2022-02-19. Review status: criteria provided, single submitter. Criteria: Invitae Variant Classification Sherloc (09022015). Collection method: clinical testing. Allele origin: germline.
Comment: In summary, the available evidence is currently insufficient to determine the role of this variant in disease. Therefore, it has been classified as a Variant of Uncertain Significance. Algorithms developed to predict the effect of missense changes on protein structure and function are either unavailable or do not agree on the potential impact of this missense change (SIFT: "Deleterious"; PolyPhen-2: "Possibly Damaging"; Align-GVGD: "Class C0"). This variant has not been reported in the literature in individuals affected with TOP2B-related conditions. This variant is not present in population databases (gnomAD no frequency). This sequence change replaces isoleucine, which is neutral and non-polar, with serine, which is neutral and polar, at codon 222 of the TOP2B protein (p.Ile222Ser).

NM_001330700.2(TOP2B):c.680T>G (p.Ile227Ser)

Gene: TOP2B (DNA topoisomerase II beta; minus strand). Cytogenetic location: 3p24.2.
Variant type: single nucleotide variant.
Coding change: c.680T>G on transcript NM_001330700.2 (MANE Select); coding-DNA position 680, T replaced by G.
Protein change: p.Ile227Ser; replaces isoleucine 227 with serine.
Molecular consequence: missense variant.
Genome position (GRCh38, 1-based): chr3:25,636,108, A>C on the plus strand (T>G on the coding strand, the complement: TOP2B is on the minus strand). VCF-style: chr3-25636108-A-C. GRCh37 (hg19) VCF-style: chr3-25677599-A-C.
Other names: c.665T>G, p.Ile222Ser (NM_001068.3); short protein forms I222S, I227S.
Identifiers: ClinVar variation 2099753 (VCV002099753.5), dbSNP rs2470366708, ClinGen allele CA351912256.
Genomic context (GRCh38, chr3:25,636,108, plus strand): 5'-AATTTGGACAGATCTGGTTGGAATGTTATGCATGTGTAATCTTCACCATCAAAATGTTTA[A>C]TTTTGGCTTCAGAAGTCTTCATCATATTATTCATCCATGTCTTTAAAAGAAAAAAATTCA-3'
Protein context (NP_001317629.1, residues 217-237): NNMMKTSEAK[Ile227Ser]KHFDGEDYTC